The following is an entry in ClinVar:

ClinVar aggregate classification (germline): Uncertain significance. Review status: criteria provided, single submitter (1 of 4 stars). 2 submissions from 2 submitters: Uncertain significance (1). 1 of the submissions does not count toward it.

Conditions:
Spastic ataxia 10, autosomal recessive (SPAX10). Identifiers: MedGen C5882738, MONDO:0958009, OMIM 620666.
Neonatal encephalomyopathy-cardiomyopathy-respiratory distress syndrome. Also called: Coenzyme Q10 deficiency, primary, 7. Identifiers: Orphanet 457185, MedGen C5568562, MONDO:0014562, OMIM 616276.

gnomAD v4.1: 5 of 1,610,456 alleles (0.00031%); highest among the groups gnomAD compares: East Asian, 0.0022%; no homozygotes.

Submissions (2):

Juno Genomics, Hangzhou Juno Genomics, Inc
Classification: Uncertain significance for Spastic ataxia 10, autosomal recessive; Neonatal encephalomyopathy-cardiomyopathy-respiratory distress syndrome. Review status: criteria provided, single submitter. Criteria: ACMG Guidelines, 2015. Collection method: clinical testing. Allele origin: germline.
Comment: Absent from controls (or at extremely low frequency if recessive) in Genome Aggregation Database.;Novel missense change at an amino acid residue where a different missense change determined to be pathogenic has been seen before.

OMIM
Classification: Pathogenic for SPASTIC ATAXIA 10, AUTOSOMAL RECESSIVE. Last evaluated: 2024-02-15. Review status: no assertion criteria provided. Collection method: literature only. Allele origin: germline. Not counted in ClinVar's aggregate classification.

Literature cited by the submitters: PubMed 38014483 (cited by OMIM).

NM_016035.5(COQ4):c.719G>A (p.Arg240His)

Gene: COQ4 (coenzyme Q4; plus strand). Cytogenetic location: 9q34.11.
Variant type: single nucleotide variant.
Coding change: c.719G>A on transcript NM_016035.5 (MANE Select); coding-DNA position 719, G replaced by A.
Protein change: p.Arg240His; replaces arginine 240 with histidine.
Molecular consequence: missense variant. On other transcripts: 3 prime UTR variant (1).
Genome position (GRCh38, 1-based): chr9:128,333,566, G>A. VCF-style: chr9-128333566-G-A. GRCh37 (hg19) VCF-style: chr9-131095845-G-A.
Other names: c.*95G>A (NM_001305942.2); short protein forms R240H.
Identifiers: ClinVar variation 2686021 (VCV002686021.4), dbSNP rs1232690058, ClinGen allele CA375024711.